The following is an entry in ClinVar:

ClinVar aggregate classification (germline): Likely benign. Review status: criteria provided, multiple submitters, no conflicts (2 of 4 stars). 3 submissions from 3 submitters: Likely benign (3). Last evaluated 2023-08-28.

Conditions:
Cardiomyopathy (CMYO). Also called: Cardiomyopathies. Identifiers: Orphanet 167848, MedGen C0878544, MONDO:0004994, HP:0001638. Inheritance: Various modes of inheritance.
Arrhythmogenic right ventricular dysplasia 8 (ARVD8). Also called: Arrhythmogenic Right Ventricular Dysplasia/Cardiomyopathy 8; ARRHYTHMOGENIC RIGHT VENTRICULAR DYSPLASIA, FAMILIAL, 8; ARRHYTHMOGENIC RIGHT VENTRICULAR CARDIOMYOPATHY 8. Identifiers: MedGen C1843896, MONDO:0011831, OMIM 607450.
Arrhythmogenic cardiomyopathy with wooly hair and keratoderma. Also called: PALMOPLANTAR KERATODERMA WITH LEFT VENTRICULAR CARDIOMYOPATHY AND WOOLLY HAIR; Carvajal syndrome; Dilated cardiomyopathy with woolly hair and keratoderma; Arrhythmogenic cardiomyopathy with woolly hair and keratoderma. Identifiers: Orphanet 65282, MedGen C1854063, MONDO:0011581, OMIM 605676.

Submissions (3):

All of Us Research Program, National Institutes of Health
Classification: Likely benign for Arrhythmogenic cardiomyopathy with wooly hair and keratoderma. Last evaluated: 2023-08-28. Review status: criteria provided, single submitter. Criteria: ACMG Guidelines, 2015. Collection method: clinical testing. Allele origin: germline. Inheritance: Autosomal dominant inheritance. Observed: 1 variant allele, 1 heterozygote.
Comment: This study involves interpretation of variants in research participants for the purpose of population health screening. Participant phenotype was not available at the time of variant classification. Additional details can be found in publication PMID: 35346344, PMCID: PMC8962531

Labcorp Genetics (formerly Invitae), Labcorp
Classification: Likely benign for Arrhythmogenic cardiomyopathy with wooly hair and keratoderma; Arrhythmogenic right ventricular dysplasia 8. Last evaluated: 2022-11-17. Review status: criteria provided, single submitter. Criteria: Invitae Variant Classification Sherloc (09022015). Collection method: clinical testing. Allele origin: germline.

Color Diagnostics, LLC DBA Color Health
Classification: Likely benign for Cardiomyopathy. Last evaluated: 2019-02-09. Review status: criteria provided, single submitter. Criteria: ACMG Guidelines, 2015. Collection method: clinical testing. Allele origin: germline.

NM_004415.4(DSP):c.3351G>A (p.Glu1117=)

Gene: DSP (desmoplakin; plus strand). Cytogenetic location: 6p24.3.
Variant type: single nucleotide variant.
Coding change: c.3351G>A on transcript NM_004415.4 (MANE Select); coding-DNA position 3351, G replaced by A.
Protein change: p.Glu1117=; no amino-acid change (glutamic acid 1117 retained).
Molecular consequence: synonymous variant.
Genome position (GRCh38, 1-based): chr6:7,579,541, G>A. VCF-style: chr6-7579541-G-A. GRCh37 (hg19) VCF-style: chr6-7579774-G-A.
Other names: c.3351G>A, p.Glu1117= (NM_001008844.3, NM_001319034.2).
Identifiers: ClinVar variation 921334 (VCV000921334.11), dbSNP rs1759350245, ClinGen allele CA448714425.
Genomic context (GRCh38, chr6:7,579,541, plus strand): 5'-AGACAAGTGCTACGGCCAAATAAAAGAACTCAATGAGAAGATCACCCGACTGACTTATGA[G>A]ATTGAAGATGAAAAGAGAAGAAGAAAATCTGTGGAAGACAGATTTGACCAACAGAAGAAT-3'
Protein context (NP_004406.2, residues 1107-1127): LNEKITRLTY[Glu1117=]IEDEKRRRKS